The following is an entry in ClinVar:

NM_000195.5(HPS1):c.1927G>A (p.Gly643Arg)

Gene: HPS1 (HPS1 biogenesis of lysosomal organelles complex 3 subunit 1; minus strand). Cytogenetic location: 10q24.2.
Variant type: single nucleotide variant.
Coding change: c.1927G>A on transcript NM_000195.5 (MANE Select); coding-DNA position 1927, G replaced by A.
Protein change: p.Gly643Arg; replaces glycine 643 with arginine.
Molecular consequence: missense variant.
Genome position (GRCh38, 1-based): chr10:98,418,188, C>T on the plus strand (G>A on the coding strand, the complement: HPS1 is on the minus strand). VCF-style: chr10-98418188-C-T. GRCh37 (hg19) VCF-style: chr10-100177945-C-T.
Other names: c.955G>A, p.Gly319Arg (NM_001311345.2, NM_001322487.2, NM_001322489.2); c.1927G>A, p.Gly643Arg (NM_001322476.2, NM_001322477.2); c.1828G>A, p.Gly610Arg (NM_001322478.2, NM_001322479.2); c.1666G>A, p.Gly556Arg (NM_001322480.2, NM_001322481.2); c.1567G>A, p.Gly523Arg (NM_001322482.2); c.1558G>A, p.Gly520Arg (NM_001322483.2, NM_001322484.2); c.1459G>A, p.Gly487Arg (NM_001322485.2); short protein forms G643R, G319R, G520R, G523R, G487R, G556R, G610R.
Identifiers: ClinVar variation 1937278 (VCV001937278.2), dbSNP rs1363700186, ClinGen allele CA378042728.
Genomic context (GRCh38, chr10:98,418,188, plus strand): 5'-ACCCAAATGGGGGCATCTGTCCCCAGTGGCTCCCAACGCAGCGTCACCTGTAGTAGTCTC[C>T]TCCCAGCATGCCGATAGGCACTGAGTCGTCGGAGAGGACGGGCACCTCGATCATCTGGAG-3'
Protein context (NP_000186.2, residues 633-653): DDSVPIGMLG[Gly643Arg]DYYRKLLRYY

ClinVar aggregate classification (germline): Uncertain significance (1 of 4 stars; one submission).

Allele frequency attached by ClinVar (database versions not stated): gnomAD exomes below 0.00001.

Submission:

Labcorp Genetics (formerly Invitae), Labcorp
Classification: Uncertain significance. Last evaluated: 2022-07-06. Review status: criteria provided, single submitter. Criteria: Invitae Variant Classification Sherloc (09022015). Collection method: clinical testing. Allele origin: germline.
Comment: This sequence change replaces glycine, which is neutral and non-polar, with arginine, which is basic and polar, at codon 643 of the HPS1 protein (p.Gly643Arg). This variant is present in population databases (no rsID available, gnomAD 0.0009%). This variant has not been reported in the literature in individuals affected with HPS1-related conditions. Algorithms developed to predict the effect of missense changes on protein structure and function are either unavailable or do not agree on the potential impact of this missense change (SIFT: "Tolerated"; PolyPhen-2: "Probably Damaging"; Align-GVGD: "Class C0"). In summary, the available evidence is currently insufficient to determine the role of this variant in disease. Therefore, it has been classified as a Variant of Uncertain Significance.